The following is an entry in ClinVar:

ClinVar aggregate classification (germline): Uncertain significance. Review status: criteria provided, multiple submitters, no conflicts (2 of 4 stars). 3 submissions from 3 submitters: Uncertain significance (3). Last evaluated 2025-06-08.

Conditions:
Hereditary cancer-predisposing syndrome. Also called: Neoplastic Syndromes, Hereditary; Tumor predisposition; Hereditary neoplastic syndrome; Hereditary Cancer Syndrome. Identifiers: Orphanet 140162, MedGen C0027672, MeSH D009386, MONDO:0015356.
Familial cancer of breast. Also called: BREAST CANCER, FAMILIAL; Hereditary breast cancer; hereditary breast carcinoma. Identifiers: Orphanet 227535, MedGen C0346153, MONDO:0016419, OMIM 114480. Disease mechanism: loss of function.

Submissions (3):

Ambry Genetics
Classification: Uncertain significance for Hereditary cancer-predisposing syndrome. Last evaluated: 2025-06-08. Review status: criteria provided, single submitter. Criteria: Ambry Variant Classification Scheme 2023. Collection method: clinical testing. Allele origin: germline.
Comment: The p.F201C variant (also known as c.602T>G), located in coding exon 4 of the CHEK2 gene, results from a T to G substitution at nucleotide position 602. The phenylalanine at codon 201 is replaced by cysteine, an amino acid with highly dissimilar properties. This amino acid position is highly conserved in available vertebrate species. In addition, this alteration is predicted to be deleterious by in silico analysis. Since supporting evidence is limited at this time, the clinical significance of this alteration remains unclear.

Dasa
Classification: Uncertain significance. Last evaluated: 2025-04-22. Review status: criteria provided, single submitter. Criteria: DASA Assertion Criteria. Collection method: clinical testing. Allele origin: germline.
Comment: NM_007194.4(CHEK2):c.602T>G (p.Phe201Cys) is a missense variant that results in the substitution of phenylalanine with cysteine. This variant is absent from population databases. Computational prediction algorithms are consistent with a deleterious effect. The currently available literature and clinical evidence are not sufficient to establish a definitive association between this variant and the reported condition. Therefore, this variant is classified as a variant of uncertain significance.

Labcorp Genetics (formerly Invitae), Labcorp
Classification: Uncertain significance for Familial cancer of breast. Last evaluated: 2025-02-25. Review status: criteria provided, single submitter. Criteria: Invitae Variant Classification Sherloc (09022015). Collection method: clinical testing. Allele origin: germline.
Comment: This sequence change replaces phenylalanine, which is neutral and non-polar, with cysteine, which is neutral and slightly polar, at codon 201 of the CHEK2 protein (p.Phe201Cys). This variant is not present in population databases (gnomAD no frequency). This variant has not been reported in the literature in individuals affected with CHEK2-related conditions. ClinVar contains an entry for this variant (Variation ID: 479542). An algorithm developed to predict the effect of missense changes on protein structure and function (PolyPhen-2) suggests that this variant is likely to be disruptive. In summary, the available evidence is currently insufficient to determine the role of this variant in disease. Therefore, it has been classified as a Variant of Uncertain Significance.

NM_007194.4(CHEK2):c.602T>G (p.Phe201Cys)

Gene: CHEK2 (checkpoint kinase 2; minus strand). Cytogenetic location: 22q12.1.
Variant type: single nucleotide variant.
Coding change: c.602T>G on transcript NM_007194.4 (MANE Select); coding-DNA position 602, T replaced by G.
Protein change: p.Phe201Cys; replaces phenylalanine 201 with cysteine.
Molecular consequence: missense variant. On other transcripts: 5 prime UTR variant (2), intron variant (1).
Genome position (GRCh38, 1-based): chr22:28,719,476, A>C on the plus strand (T>G on the coding strand, the complement: CHEK2 is on the minus strand). VCF-style: chr22-28719476-A-C. GRCh37 (hg19) VCF-style: chr22-29115464-A-C.
Other names: c.731T>G, p.Phe244Cys (NM_001005735.3, NM_001438294.1); c.-62T>G (NM_001257387.3, NM_001437942.1); c.695T>G, p.Phe232Cys (NM_001438293.1, NM_001438295.1); c.602T>G, p.Phe201Cys (NM_145862.3); c.482+5410T>G (NM_001349956.3); short protein forms F201C, F244C, F232C.
Identifiers: ClinVar variation 479542 (VCV000479542.17), dbSNP rs1555924525, ClinGen allele CA411105140.